The following is an entry in ClinVar:

NM_024312.5(GNPTAB):c.1433T>C (p.Ile478Thr)

Gene: GNPTAB (N-acetylglucosamine-1-phosphate transferase subunits alpha and beta; minus strand). Cytogenetic location: 12q23.2.
Variant type: single nucleotide variant.
Coding change: c.1433T>C on transcript NM_024312.5 (MANE Select); coding-DNA position 1433, T replaced by C.
Protein change: p.Ile478Thr; replaces isoleucine 478 with threonine.
Molecular consequence: missense variant.
Genome position (GRCh38, 1-based): chr12:101,766,270, A>G on the plus strand (T>C on the coding strand, the complement: GNPTAB is on the minus strand). VCF-style: chr12-101766270-A-G. GRCh37 (hg19) VCF-style: chr12-102160048-A-G.
Other names: short protein forms I478T.
Identifiers: ClinVar variation 786142 (VCV000786142.42), dbSNP rs149718548, ClinGen allele CA6746607.

ClinVar aggregate classification (germline): Conflicting classifications of pathogenicity. Review status: criteria provided, conflicting classifications (1 of 4 stars). 7 submissions from 5 submitters: Uncertain significance (4); Likely benign (2). 1 of the submissions does not count toward it. Last evaluated 2026-01-18.

Conditions:
Pseudo-Hurler polydystrophy. Also called: ML III; ML III ALPHA/BETA; Mucolipidosis III Alpha/Beta; MUCOLIPIDOSIS IIIA; Type III Mucolipidosis; ML IIIA. Identifiers: Orphanet 423461, Orphanet 577, MedGen C0033788, MONDO:0018931, OMIM 252600.
Mucolipidosis type II. Also called: ML II ALPHA/BETA; Mucolipidosis 2; ML 2; Inclusion cell disease; Leroy Disease; N-acetylglucosamine 1phosphotransferase deficiency. Identifiers: Orphanet 576, MedGen C2673377, MONDO:0009650, OMIM 252500.

Allele frequency attached by ClinVar (database versions not stated): gnomAD 0.00021 and 0.00034; 1000 Genomes Project 30x 0.00031; TOPMed 0.00031; ESP Exome Variant Server 0.00038; 1000 Genomes Project 0.00040; gnomAD exomes 0.00056 and 0.00072; ExAC 0.00065.
gnomAD v4.1: 885 of 1,613,900 alleles (0.055%); highest among the groups gnomAD compares: Middle Eastern, 0.3%; 7 homozygotes.

Submissions (7):

Labcorp Genetics (formerly Invitae), Labcorp
Classification: Likely benign for Pseudo-Hurler polydystrophy; Mucolipidosis type II. Last evaluated: 2026-01-18. Review status: criteria provided, single submitter. Criteria: Invitae Variant Classification Sherloc (09022015). Collection method: clinical testing. Allele origin: germline.

CeGaT Center for Human Genetics Tuebingen
Classification: Likely benign. Last evaluated: 2025-11-01. Review status: criteria provided, single submitter. Criteria: CeGaT Center For Human Genetics Tuebingen Variant Classification Criteria Version 2. Collection method: clinical testing. Allele origin: germline. Affected: yes. Observed: 3 variant alleles.
Comment: GNPTAB: BP4

Genome-Nilou Lab
Classification: Uncertain significance for Mucolipidosis type II. Last evaluated: 2021-07-14. Review status: criteria provided, single submitter. Criteria: ACMG Guidelines, 2015. Collection method: clinical testing. Allele origin: germline. Affected: no.

Genome-Nilou Lab
Classification: Uncertain significance for Pseudo-Hurler polydystrophy. Last evaluated: 2021-07-14. Review status: criteria provided, single submitter. Criteria: ACMG Guidelines, 2015. Collection method: clinical testing. Allele origin: germline. Affected: no.

Illumina Laboratory Services, Illumina
Classification: Uncertain significance for Mucolipidosis type II. Last evaluated: 2017-04-27. Review status: criteria provided, single submitter. Criteria: ICSL Variant Classification Criteria 13 December 2019. Collection method: clinical testing. Allele origin: germline.

Illumina Laboratory Services, Illumina
Classification: Uncertain significance for Pseudo-Hurler polydystrophy. Last evaluated: 2017-04-27. Review status: criteria provided, single submitter. Criteria: ICSL Variant Classification Criteria 13 December 2019. Collection method: clinical testing. Allele origin: germline.

Natera, Inc.
Classification: Uncertain significance for Mucolipidosis type II. Last evaluated: 2020-04-17. Review status: no assertion criteria provided. Collection method: clinical testing. Allele origin: germline. Not counted in ClinVar's aggregate classification.